The following is an entry in ClinVar:

NM_001204.7(BMPR2):c.1156G>C (p.Glu386Gln)

Gene: BMPR2 (bone morphogenetic protein receptor type 2; plus strand). Cytogenetic location: 2q33.2.
Variant type: single nucleotide variant.
Coding change: c.1156G>C on transcript NM_001204.7 (MANE Select); coding-DNA position 1156, G replaced by C.
Protein change: p.Glu386Gln; replaces glutamic acid 386 with glutamine.
Molecular consequence: missense variant.
Genome position (GRCh38, 1-based): chr2:202,532,612, G>C. VCF-style: chr2-202532612-G-C. GRCh37 (hg19) VCF-style: chr2-203397335-G-C.
Other names: NM_001204.7(BMPR2):c.1156G>C; p.Glu386Gln; c.1156G>C (LRG_712t1); short protein forms E386Q.
Identifiers: ClinVar variation 425884 (VCV000425884.4), dbSNP rs1085307306, ClinGen allele CA350341737.

ClinVar aggregate classification (germline): Likely pathogenic. Review status: reviewed by expert panel (3 of 4 stars). 3 submissions from 3 submitters: Likely pathogenic (1). 2 of the submissions do not count toward it. Last evaluated 2024-11-06.

Conditions:
Pulmonary hypertension, primary, 1 (PPH1). Also called: Pulmonary hypertension, familial primary, 1, with or without HHT. Identifiers: Orphanet 422, MedGen C4552070, MONDO:0024533, OMIM 178600.
Primary pulmonary hypertension. Also called: Idiopathic pulmonary hypertension. Identifiers: MedGen C0152171.
Pulmonary arterial hypertension. Identifiers: Orphanet 182090, MedGen C2973725, MeSH D000081029, MONDO:0015924, HP:0002092.

Submissions (3):

Clingen Pulmonary Hypertension Variant Curation Expert Panel, ClinGen
Classification: Likely pathogenic for Pulmonary arterial hypertension. Last evaluated: 2024-11-06. Review status: reviewed by expert panel. Criteria: ClinGen PH ACMG Specifications BMPR2 V1.1.0. Collection method: curation. Allele origin: germline. Inheritance: Autosomal dominant inheritance.
Comment: The BMPR2 c.1156G>C variant is a missense variant predicted to cause a glutamic acid to glutamine substitution at amino acid position 386. The variant is absent from the gnomAD v2.1.1 control and v4.1.0 populations (PM2_supporting). Only one patient with the variant has been reported (PMID: 26387786), and therefore, PS4 is not met. Glu386Gln is located in the catalytic kinase domain and is known to be an indispensable residue (PM1_strong). Other likely pathogenic missense variants causing a different amino acid change at the same residue have been reported, including Glu386Lys, Glu386Ala, Glu386Val, and Glu386Gly (PM5_supporting). Computational evidence for pathogenicity included a REVEL score of 0.961, which meets the threshold of >0.75 defined by the ClinGen Pulmonary Hypertension VCEP, and AlphaMissense 0.9837 (PP3 met but not BP4). Criteria not evaluated included PP1, PM6, and PS2 due to the absence of segregation evidence. Similarly, functional data is unavailable for this variant, so BS3 and PS3 were not evaluated. In summary, this variant meets the criteria to be classified as likely pathogenic (LP) for pulmonary arterial hypertension based on the ACMG/AMP criteria applied, as specified by the ClinGen Pulmonary Hypertension VCEP: PM1_strong, PM2_supporting, PM5_supporting, and PP3 (VCEP specification version 1.1, 1/18/2024).

Labcorp Genetics (formerly Invitae), Labcorp
Classification: Pathogenic for Primary pulmonary hypertension. Last evaluated: 2024-10-30. Review status: criteria provided, single submitter. Criteria: Invitae Variant Classification Sherloc (09022015). Collection method: clinical testing. Allele origin: germline. Not counted in ClinVar's aggregate classification.
Comment: This sequence change replaces glutamic acid, which is acidic and polar, with glutamine, which is neutral and polar, at codon 386 of the BMPR2 protein (p.Glu386Gln). This variant is not present in population databases (gnomAD no frequency). This missense change has been observed in individuals with pulmonary hypertension (PMID: 18503968; internal data). ClinVar contains an entry for this variant (Variation ID: 425884). Invitae Evidence Modeling of protein sequence and biophysical properties (such as structural, functional, and spatial information, amino acid conservation, physicochemical variation, residue mobility, and thermodynamic stability) indicates that this missense variant is expected to disrupt BMPR2 protein function with a positive predictive value of 95%. This variant disrupts the p.Glu386 amino acid residue in BMPR2. Other variant(s) that disrupt this residue have been observed in individuals with BMPR2-related conditions (PMID: 15591269, 18364108, 23675998), which suggests that this may be a clinically significant amino acid residue. For these reasons, this variant has been classified as Pathogenic.

Rare Disease Genomics Group, St George's University of London
Classification: Pathogenic for Primary pulmonary hypertension. Review status: no assertion criteria provided. Collection method: literature only. Allele origin: germline. Affected: yes. Not counted in ClinVar's aggregate classification.

Literature cited by the submitters: PubMed 18503968 (cited by Labcorp Genetics (formerly Invitae), Labcorp); PubMed 15591269 (cited by Labcorp Genetics (formerly Invitae), Labcorp); PubMed 18364108 (cited by Labcorp Genetics (formerly Invitae), Labcorp); PubMed 23675998 (cited by Labcorp Genetics (formerly Invitae), Labcorp); PubMed 26387786 (cited by Rare Disease Genomics Group, St George's University of London).